The following is an entry in ClinVar:

NM_004958.4(MTOR):c.4291G>A (p.Gly1431Arg)

Gene: MTOR (mechanistic target of rapamycin kinase; minus strand). Cytogenetic location: 1p36.22.
Variant type: single nucleotide variant.
Coding change: c.4291G>A on transcript NM_004958.4 (MANE Select); coding-DNA position 4291, G replaced by A.
Protein change: p.Gly1431Arg; replaces glycine 1431 with arginine.
Molecular consequence: missense variant.
Genome position (GRCh38, 1-based): chr1:11,167,480, C>T on the plus strand (G>A on the coding strand, the complement: MTOR is on the minus strand). VCF-style: chr1-11167480-C-T. GRCh37 (hg19) VCF-style: chr1-11227537-C-T.
Other names: c.4291G>A, p.Gly1431Arg (NM_001386500.1); c.3043G>A, p.Gly1015Arg (NM_001386501.1); short protein forms G1015R, G1431R.
Identifiers: ClinVar variation 1303635 (VCV001303635.5), dbSNP rs1644683232, ClinGen allele CA338375325.

ClinVar aggregate classification (germline): Uncertain significance. Review status: criteria provided, multiple submitters, no conflicts (2 of 4 stars). 2 submissions from 2 submitters: Uncertain significance (2). Last evaluated 2024-11-12.

Allele frequency attached by ClinVar (database versions not stated): gnomAD exomes below 0.00001; gnomAD 0.00001.
gnomAD v4.1: 2 of 1,613,326 alleles (0.00012%); highest among the groups gnomAD compares: African/African-American, 0.0013%; no homozygotes.

Submissions (2):

Labcorp Genetics (formerly Invitae), Labcorp
Classification: Uncertain significance. Last evaluated: 2024-11-12. Review status: criteria provided, single submitter. Criteria: Invitae Variant Classification Sherloc (09022015). Collection method: clinical testing. Allele origin: germline.
Comment: This sequence change replaces glycine, which is neutral and non-polar, with arginine, which is basic and polar, at codon 1431 of the MTOR protein (p.Gly1431Arg). This variant is not present in population databases (gnomAD no frequency). This variant has not been reported in the literature in individuals affected with MTOR-related conditions. ClinVar contains an entry for this variant (Variation ID: 1303635). Invitae Evidence Modeling of protein sequence and biophysical properties (such as structural, functional, and spatial information, amino acid conservation, physicochemical variation, residue mobility, and thermodynamic stability) has been performed for this missense variant. However, the output from this modeling did not meet the statistical confidence thresholds required to predict the impact of this variant on MTOR protein function. In summary, the available evidence is currently insufficient to determine the role of this variant in disease. Therefore, it has been classified as a Variant of Uncertain Significance.

GeneDx
Classification: Uncertain significance. Last evaluated: 2024-01-16. Review status: criteria provided, single submitter. Criteria: GeneDx Variant Classification Process June 2021. Collection method: clinical testing. Allele origin: germline. Affected: yes.
Comment: Not observed at significant frequency in large population cohorts (gnomAD); In silico analysis supports that this missense variant has a deleterious effect on protein structure/function; Has not been previously published as pathogenic or benign to our knowledge